The following is an entry in ClinVar:

NM_004491.5(ARHGAP35):c.3116C>T (p.Pro1039Leu)

Gene: ARHGAP35 (Rho GTPase activating protein 35; plus strand). Cytogenetic location: 19q13.32.
Variant type: single nucleotide variant.
Coding change: c.3116C>T on transcript NM_004491.5 (MANE Select); coding-DNA position 3116, C replaced by T.
Protein change: p.Pro1039Leu; replaces proline 1039 with leucine.
Molecular consequence: missense variant.
Genome position (GRCh38, 1-based): chr19:46,921,791, C>T. VCF-style: chr19-46921791-C-T. GRCh37 (hg19) VCF-style: chr19-47425048-C-T.
Other names: short protein forms P1039L.
Identifiers: ClinVar variation 3350693 (VCV003350693.1).
Genomic context (GRCh38, chr19:46,921,791, plus strand): 5'-ATGATGGGCTGTCTTTCATTATGAGCAATTTTGAGAGTAAACTGAACAACAAAGTACCTC[C>T]GCCAGTCAAACCAAAGCCTCCTGTCCATTTTGAAATTACAAAGGGGGATCTATCTTATTT-3'
Protein context (NP_004482.4, residues 1029-1049): FESKLNNKVP[Pro1039Leu]PVKPKPPVHF

ClinVar aggregate classification (germline): Uncertain significance (0 of 4 stars; one submission).

Conditions:
ARHGAP35-related condition.

gnomAD v4.1: 31 of 1,613,956 alleles (0.0019%); highest among the groups gnomAD compares: Admixed American, 0.005%; no homozygotes.

Submission:

PreventionGenetics, part of Exact Sciences
Classification: Uncertain significance for ARHGAP35-related condition. Last evaluated: 2024-08-27. Review status: no assertion criteria provided. Collection method: clinical testing. Allele origin: germline.
Comment: The ARHGAP35 c.3116C>T variant is predicted to result in the amino acid substitution p.Pro1039Leu. To our knowledge, this variant has not been reported in the literature. This variant is reported in 0.0087% of alleles in individuals of Latino descent in gnomAD. At this time, the clinical significance of this variant is uncertain due to the absence of conclusive functional and genetic evidence.